The following is an entry in ClinVar:

ClinVar aggregate classification (germline): Likely pathogenic (1 of 4 stars; one submission).

Conditions:
Joubert syndrome. Also called: CEREBELLOPARENCHYMAL DISORDER IV; JOUBERT-BOLTSHAUSER SYNDROME; Familial aplasia of the vermis. Identifiers: Orphanet 475, MedGen C5979921, MONDO:0018772.

Submission:

Labcorp Genetics (formerly Invitae), Labcorp
Classification: Likely pathogenic for Joubert syndrome. Last evaluated: 2026-01-04. Review status: criteria provided, single submitter. Criteria: Invitae Variant Classification Sherloc (09022015). Collection method: clinical testing. Allele origin: germline.
Comment: This sequence change replaces glutamic acid, which is acidic and polar, with valine, which is neutral and non-polar, at codon 612 of the INPP5E protein (p.Glu612Val). This variant is not present in population databases (gnomAD no frequency). This missense change has been observed in individual(s) with Joubert syndrome (PMID: 37315340). In at least one individual the data is consistent with being in trans (on the opposite chromosome) from a pathogenic variant. Invitae Evidence Modeling of protein sequence and biophysical properties (such as structural, functional, and spatial information, amino acid conservation, physicochemical variation, residue mobility, and thermodynamic stability) indicates that this missense variant is expected to disrupt INPP5E protein function with a positive predictive value of 80%. In summary, the currently available evidence indicates that the variant is pathogenic, but additional data are needed to prove that conclusively. Therefore, this variant has been classified as Likely Pathogenic.

Literature cited by the submitters: PubMed 37315340.

NM_019892.6(INPP5E):c.1835A>T (p.Glu612Val)

Gene: INPP5E (inositol polyphosphate-5-phosphatase E; minus strand). Cytogenetic location: 9q34.3.
Variant type: single nucleotide variant.
Coding change: c.1835A>T on transcript NM_019892.6 (MANE Select); coding-DNA position 1835, A replaced by T.
Protein change: p.Glu612Val; replaces glutamic acid 612 with valine.
Molecular consequence: missense variant.
Genome position (GRCh38, 1-based): chr9:136,429,775, T>A on the plus strand (A>T on the coding strand, the complement: INPP5E is on the minus strand). VCF-style: chr9-136429775-T-A. GRCh37 (hg19) VCF-style: chr9-139324227-T-A.
Other names: c.1832A>T, p.Glu611Val (NM_001318502.2); short protein forms E611V, E612V.
Identifiers: ClinVar variation 4696572 (VCV004696572.1).